The following is an entry in ClinVar:

ClinVar aggregate classification (germline): Uncertain significance (1 of 4 stars; one submission).

Conditions:
Mucopolysaccharidosis, MPS-III-A (MPS3A). Also called: Mucopolysaccharidosis type IIIA (Sanfilippo A); Mucopolysaccharidosis, type IIIA; mucopolysaccharidosis type 3A; MPS IIIA (Sanfilippo Syndrome Type A); HEPARAN SULFATE SULFATASE DEFICIENCY; SANFILIPPO SYNDROME A. Identifiers: Orphanet 581, Orphanet 79269, MedGen C0086647, MONDO:0009655, OMIM 252900.

Submission:

Labcorp Genetics (formerly Invitae), Labcorp
Classification: Uncertain significance for Mucopolysaccharidosis, MPS-III-A. Last evaluated: 2023-02-18. Review status: criteria provided, single submitter. Criteria: Invitae Variant Classification Sherloc (09022015). Collection method: clinical testing. Allele origin: germline.
Comment: In summary, the available evidence is currently insufficient to determine the role of this variant in disease. Therefore, it has been classified as a Variant of Uncertain Significance. Advanced modeling of protein sequence and biophysical properties (such as structural, functional, and spatial information, amino acid conservation, physicochemical variation, residue mobility, and thermodynamic stability) has been performed at Invitae for this missense variant, however the output from this modeling did not meet the statistical confidence thresholds required to predict the impact of this variant on SGSH protein function. This variant has not been reported in the literature in individuals affected with SGSH-related conditions. This variant is present in population databases (rs745884647, gnomAD 0.0009%). This sequence change replaces arginine, which is basic and polar, with proline, which is neutral and non-polar, at codon 304 of the SGSH protein (p.Arg304Pro).

NM_000199.5(SGSH):c.911G>C (p.Arg304Pro)

Gene: SGSH (N-sulfoglucosamine sulfohydrolase; minus strand). Cytogenetic location: 17q25.3.
Variant type: single nucleotide variant.
Coding change: c.911G>C on transcript NM_000199.5 (MANE Select); coding-DNA position 911, G replaced by C.
Protein change: p.Arg304Pro; replaces arginine 304 with proline.
Molecular consequence: missense variant. On other transcripts: non-coding transcript variant (1).
Genome position (GRCh38, 1-based): chr17:80,212,109, C>G on the plus strand (G>C on the coding strand, the complement: SGSH is on the minus strand). VCF-style: chr17-80212109-C-G. GRCh37 (hg19) VCF-style: chr17-78185908-C-G.
Other names: c.911G>C, p.Arg304Pro (NM_001352921.3, NM_001352922.2); short protein forms R304P.
Identifiers: ClinVar variation 2784571 (VCV002784571.3), dbSNP rs745884647, ClinGen allele CA8817751.